The following is an entry in ClinVar:

ClinVar aggregate classification (germline): Uncertain significance (1 of 4 stars; one submission).

Conditions:
Nephronophthisis. Also called: Juvenile Nephronophthisis. Identifiers: Orphanet 655, MedGen C0687120, MONDO:0019005, HP:0000090.

Submission:

Labcorp Genetics (formerly Invitae), Labcorp
Classification: Uncertain significance for Nephronophthisis. Last evaluated: 2021-08-17. Review status: criteria provided, single submitter. Criteria: Invitae Variant Classification Sherloc (09022015). Collection method: clinical testing. Allele origin: germline.
Comment: This variant has not been reported in the literature in individuals affected with IQCB1-related conditions. This sequence change replaces lysine with threonine at codon 306 of the IQCB1 protein (p.Lys306Thr). The lysine residue is highly conserved and there is a moderate physicochemical difference between lysine and threonine. This variant is not present in population databases (ExAC no frequency). Algorithms developed to predict the effect of missense changes on protein structure and function are either unavailable or do not agree on the potential impact of this missense change (SIFT: "Deleterious"; PolyPhen-2: "Probably Damaging"; Align-GVGD: "Class C0"). In summary, the available evidence is currently insufficient to determine the role of this variant in disease. Therefore, it has been classified as a Variant of Uncertain Significance.

NM_001023570.4(IQCB1):c.917A>C (p.Lys306Thr)

Gene: IQCB1 (IQ motif containing B1; minus strand). Cytogenetic location: 3q13.33.
Variant type: single nucleotide variant.
Coding change: c.917A>C on transcript NM_001023570.4 (MANE Select); coding-DNA position 917, A replaced by C.
Protein change: p.Lys306Thr; replaces lysine 306 with threonine.
Molecular consequence: missense variant. On other transcripts: intron variant (1).
Genome position (GRCh38, 1-based): chr3:121,795,526, T>G on the plus strand (A>C on the coding strand, the complement: IQCB1 is on the minus strand). VCF-style: chr3-121795526-T-G. GRCh37 (hg19) VCF-style: chr3-121514373-T-G.
Other names: c.917A>C, p.Lys306Thr (NM_001319107.2); c.588-5311A>C (NM_001023571.4); short protein forms K306T.
Identifiers: ClinVar variation 1499034 (VCV001499034.6), dbSNP rs1471637477, ClinGen allele CA354119507.